The following is an entry in ClinVar:

NM_005751.5(AKAP9):c.4751A>C (p.Glu1584Ala)

Gene: AKAP9 (A-kinase anchoring protein 9; plus strand). Cytogenetic location: 7q21.2.
Variant type: single nucleotide variant.
Coding change: c.4751A>C on transcript NM_005751.5 (MANE Select); coding-DNA position 4751, A replaced by C.
Protein change: p.Glu1584Ala; replaces glutamic acid 1584 with alanine.
Molecular consequence: missense variant.
Genome position (GRCh38, 1-based): chr7:92,040,732, A>C. VCF-style: chr7-92040732-A-C. GRCh37 (hg19) VCF-style: chr7-91670046-A-C.
Other names: c.4751A>C, p.Glu1584Ala (NM_147185.3); short protein forms E1584A.
Identifiers: ClinVar variation 1014894 (VCV001014894.9), dbSNP rs1805959363, ClinGen allele CA368129485.

ClinVar aggregate classification (germline): Uncertain significance (1 of 4 stars; one submission).

Conditions:
Long QT syndrome (LQTS). Identifiers: MedGen C0023976, MeSH D008133, MONDO:0002442. Disease mechanism: loss of function. Inheritance: Various modes of inheritance.

Submission:

Labcorp Genetics (formerly Invitae), Labcorp
Classification: Uncertain significance for Long QT syndrome. Last evaluated: 2020-01-18. Review status: criteria provided, single submitter. Criteria: Invitae Variant Classification Sherloc (09022015). Collection method: clinical testing. Allele origin: germline.
Comment: Algorithms developed to predict the effect of missense changes on protein structure and function are either unavailable or do not agree on the potential impact of this missense change (SIFT: "Tolerated"; PolyPhen-2: "Probably Damaging"; Align-GVGD: "Class C0"). This variant has not been reported in the literature in individuals with AKAP9-related conditions. This variant is not present in population databases (ExAC no frequency). This sequence change replaces glutamic acid with alanine at codon 1584 of the AKAP9 protein (p.Glu1584Ala). The glutamic acid residue is moderately conserved and there is a moderate physicochemical difference between glutamic acid and alanine. In summary, the available evidence is currently insufficient to determine the role of this variant in disease. Therefore, it has been classified as a Variant of Uncertain Significance.